The following is an entry in ClinVar:

NM_000214.3(JAG1):c.635G>T (p.Cys212Phe)

Gene: JAG1 (jagged canonical Notch ligand 1; minus strand). Cytogenetic location: 20p12.2.
Variant type: single nucleotide variant.
Coding change: c.635G>T on transcript NM_000214.3 (MANE Select); coding-DNA position 635, G replaced by T.
Protein change: p.Cys212Phe; replaces cysteine 212 with phenylalanine.
Molecular consequence: missense variant.
Genome position (GRCh38, 1-based): chr20:10,658,527, C>A on the plus strand (G>T on the coding strand, the complement: JAG1 is on the minus strand). VCF-style: chr20-10658527-C-A. GRCh37 (hg19) VCF-style: chr20-10639175-C-A.
Other names: short protein forms C212F.
Identifiers: ClinVar variation 3573346 (VCV003573346.2).
Genomic context (GRCh38, chr20:10,658,527, plus strand): 5'-CCTCTGTTACATTCGGGGCCCATCCAGCCTTCCATGCAAGTTTTGTTGCCATTCTGGTCA[C>A]AGGCATAGTGTCCAAAGAAGTCATCTCTGGGGCGGCAGAACTTATTGCAGCCAAAGCCAT-3'
Protein context (NP_000205.1, residues 202-222): PRDDFFGHYA[Cys212Phe]DQNGNKTCME

Conditions:
Arteriohepatic dysplasia. Also called: Alagille Syndrome. Identifiers: Orphanet 52, MedGen C0085280, MeSH D016738, MONDO:0007318.

Submission:

Gilbert/Spinner Lab, Children's Hospital of Philadelphia
No classification provided (evidence only). Condition: Alagille syndrome. Review status: no classification provided. Collection method: research. Allele origin: not applicable. Functional consequence: functionally_abnormal.
ClinVar note: "not provided" was previously submitted as the classification for the variant. However, the classification appeared to be based only on an observation of functional data so it was converted to no classification on 2025-07-30.